The following is an entry in ClinVar:

NM_147127.5(EVC2):c.1710+284T>C

Gene: EVC2 (EvC ciliary complex subunit 2; minus strand). Cytogenetic location: 4p16.2.
Variant type: single nucleotide variant.
Coding change: c.1710+284T>C on transcript NM_147127.5 (MANE Select); 284 bases into the intron after coding-DNA position 1710, T replaced by C.
Molecular consequence: intron variant.
Genome position (GRCh38, 1-based): chr4:5,631,509, A>G on the plus strand (T>C on the coding strand, the complement: EVC2 is on the minus strand). VCF-style: chr4-5631509-A-G. GRCh37 (hg19) VCF-style: chr4-5633236-A-G.
Other names: c.1470+284T>C (NM_001166136.2).
Identifiers: ClinVar variation 671963 (VCV000671963.1), dbSNP rs1013601, ClinGen allele CA11744135.

ClinVar aggregate classification (germline): Benign (1 of 4 stars; one submission).

Allele frequency attached by ClinVar (database versions not stated): gnomAD 0.45619 and 0.46292; TOPMed 0.48210; 1000 Genomes Project 0.52716; 1000 Genomes Project 30x 0.53513.
gnomAD v4.1: 68,920 of 151,704 alleles (45%); highest among the groups gnomAD compares: African/African-American, 78%; 19,179 homozygotes.

Submission:

GeneDx
Classification: Benign. Last evaluated: 2018-06-19. Review status: criteria provided, single submitter. Criteria: GeneDx Variant Classification (06012015). Collection method: clinical testing. Allele origin: germline. Affected: yes.
Comment: This variant is considered likely benign or benign based on one or more of the following criteria: it is a conservative change, it occurs at a poorly conserved position in the protein, it is predicted to be benign by multiple in silico algorithms, and/or has population frequency not consistent with disease.